The following is an entry in ClinVar:

NM_005359.6(SMAD4):c.1164G>A (p.Gln388=)

Gene: SMAD4 (SMAD family member 4; plus strand). Cytogenetic location: 18q21.2.
Variant type: single nucleotide variant.
Coding change: c.1164G>A on transcript NM_005359.6 (MANE Select); coding-DNA position 1164, G replaced by A.
Protein change: p.Gln388=; no amino-acid change (glutamine 388 retained).
Molecular consequence: synonymous variant. On other transcripts: non-coding transcript variant (1).
Genome position (GRCh38, 1-based): chr18:51,067,043, G>A. VCF-style: chr18-51067043-G-A. GRCh37 (hg19) VCF-style: chr18-48593413-G-A.
Other names: c.1164G>A, p.Gln388= (NM_001407041.1, NM_001407042.1).
Identifiers: ClinVar variation 3903742 (VCV003903742.2).

ClinVar aggregate classification (germline): Benign/Likely benign. Review status: criteria provided, multiple submitters, no conflicts (2 of 4 stars). 2 submissions from 2 submitters: Benign (1); Likely benign (1). Last evaluated 2025-05-22.

Conditions:
Juvenile polyposis/hereditary hemorrhagic telangiectasia syndrome (JPHT). Also called: JP/HHT SYNDROME; JUVENILE POLYPOSIS WITH HEREDITARY HEMORRHAGIC TELANGIECTASIA; POLYPOSIS, GENERALIZED JUVENILE, WITH PULMONARY ARTERIOVENOUS MALFORMATION; TELANGIECTASIA, HEREDITARY HEMORRHAGIC, WITH JUVENILE POLYPOSIS COLI; Juvenile Polyposis Syndrome / Hereditary Hemorrhagic Telangiectasia (JPS/HHT). Identifiers: Orphanet 2929, MedGen C1832942, MONDO:0008278, OMIM 175050.
Familial thoracic aortic aneurysm and aortic dissection (TAAD). Also called: Thoracic aortic aneurysms and dissections. Identifiers: Orphanet 91387, MedGen C4707243, MONDO:0019625.
Hereditary cancer-predisposing syndrome. Also called: Neoplastic Syndromes, Hereditary; Tumor predisposition; Hereditary neoplastic syndrome; Hereditary Cancer Syndrome. Identifiers: Orphanet 140162, MedGen C0027672, MeSH D009386, MONDO:0015356.

Submissions (2):

Ambry Genetics
Classification: Likely benign for Hereditary cancer-predisposing syndrome; Familial thoracic aortic aneurysm and aortic dissection. Last evaluated: 2025-05-22. Review status: criteria provided, single submitter. Criteria: Ambry Variant Classification Scheme 2023. Collection method: clinical testing. Allele origin: germline.

Myriad Genetics, Inc.
Classification: Benign for Juvenile polyposis/hereditary hemorrhagic telangiectasia syndrome. Last evaluated: 2025-03-21. Review status: criteria provided, single submitter. Criteria: Myriad Autosomal Dominant, Autosomal Recessive and X-Linked Classification Criteria (2023). Collection method: clinical testing. Allele origin: unknown.
Comment: This variant is considered benign. This variant is a silent/synonymous amino acid change and it is not expected to impact splicing.